The following is an entry in ClinVar:

ClinVar aggregate classification (germline): Pathogenic (1 of 4 stars; one submission).

Conditions:
Nemaline myopathy 10 (NEM10). Identifiers: MedGen C4015360, MONDO:0014513, OMIM 616165.

Allele frequency attached by ClinVar (database versions not stated): gnomAD exomes below 0.00001; TOPMed below 0.00001.
gnomAD v4.1: 4 of 1,613,842 alleles (0.00025%); highest among the groups gnomAD compares: Non-Finnish European, 0.00034%; no homozygotes.

Submission:

Labcorp Genetics (formerly Invitae), Labcorp
Classification: Pathogenic for Nemaline myopathy 10. Last evaluated: 2025-06-03. Review status: criteria provided, single submitter. Criteria: Invitae Variant Classification Sherloc (09022015). Collection method: clinical testing. Allele origin: germline.
Comment: This sequence change creates a premature translational stop signal (p.Ser235*) in the LMOD3 gene. It is expected to result in an absent or disrupted protein product. Loss-of-function variants in LMOD3 are known to be pathogenic (PMID: 25250574). This variant is not present in population databases (gnomAD no frequency). This variant has not been reported in the literature in individuals affected with LMOD3-related conditions. ClinVar contains an entry for this variant (Variation ID: 1451345). For these reasons, this variant has been classified as Pathogenic.

Literature cited by the submitters: PubMed 25250574.

NM_198271.5(LMOD3):c.704C>G (p.Ser235Ter)

Gene: LMOD3 (leiomodin 3; minus strand). Cytogenetic location: 3p14.1.
Variant type: single nucleotide variant.
Coding change: c.704C>G on transcript NM_198271.5 (MANE Select); coding-DNA position 704, C replaced by G.
Protein change: p.Ser235Ter; replaces serine 235 with a stop codon.
Molecular consequence: nonsense.
Genome position (GRCh38, 1-based): chr3:69,119,651, G>C on the plus strand (C>G on the coding strand, the complement: LMOD3 is on the minus strand). VCF-style: chr3-69119651-G-C. GRCh37 (hg19) VCF-style: chr3-69168802-G-C.
Other names: c.704C>G, p.Ser235Ter (NM_001304418.3); short protein forms S235*.
Identifiers: ClinVar variation 1451345 (VCV001451345.6), dbSNP rs2092396963, ClinGen allele CA353475155.